The following is an entry in ClinVar:

NM_005076.5(CNTN2):c.2677C>T (p.Arg893Trp)

Gene: CNTN2 (contactin 2; plus strand). Cytogenetic location: 1q32.1.
Variant type: single nucleotide variant.
Coding change: c.2677C>T on transcript NM_005076.5 (MANE Select); coding-DNA position 2677, C replaced by T.
Protein change: p.Arg893Trp; replaces arginine 893 with tryptophan.
Molecular consequence: missense variant. On other transcripts: non-coding transcript variant (1).
Genome position (GRCh38, 1-based): chr1:205,072,079, C>T. VCF-style: chr1-205072079-C-T. GRCh37 (hg19) VCF-style: chr1-205041207-C-T.
Other names: c.2677C>T, p.Arg893Trp (NM_001346083.2); short protein forms R893W.
Identifiers: ClinVar variation 541412 (VCV000541412.8), dbSNP rs149814483, ClinGen allele CA1351757.

ClinVar aggregate classification (germline): Uncertain significance. Review status: criteria provided, multiple submitters, no conflicts (2 of 4 stars). 2 submissions from 2 submitters: Uncertain significance (2). Last evaluated 2024-05-21.

Conditions:
Epilepsy, familial adult myoclonic, 5 (EPEO5). Also called: CORTICAL MYOCLONIC TREMOR WITH EPILEPSY, FAMILIAL, 5. Identifiers: Orphanet 86814, MedGen C3809374, MONDO:0014167, OMIM 615400.

Allele frequency attached by ClinVar (database versions not stated): TOPMed 0.00009; ExAC 0.00012; gnomAD exomes 0.00012; gnomAD 0.00013 and 0.00014; ESP Exome Variant Server 0.00023.

Submissions (2):

Ambry Genetics
Classification: Uncertain significance. Last evaluated: 2024-05-21. Review status: criteria provided, single submitter. Criteria: Ambry Variant Classification Scheme 2023. Collection method: clinical testing. Allele origin: germline.

Labcorp Genetics (formerly Invitae), Labcorp
Classification: Uncertain significance for Epilepsy, familial adult myoclonic, 5. Last evaluated: 2022-09-19. Review status: criteria provided, single submitter. Criteria: Invitae Variant Classification Sherloc (09022015). Collection method: clinical testing. Allele origin: germline.
Comment: This sequence change replaces arginine, which is basic and polar, with tryptophan, which is neutral and slightly polar, at codon 893 of the CNTN2 protein (p.Arg893Trp). This variant is present in population databases (rs149814483, gnomAD 0.03%). This variant has not been reported in the literature in individuals affected with CNTN2-related conditions. ClinVar contains an entry for this variant (Variation ID: 541412). Advanced modeling of protein sequence and biophysical properties (such as structural, functional, and spatial information, amino acid conservation, physicochemical variation, residue mobility, and thermodynamic stability) performed at Invitae indicates that this missense variant is not expected to disrupt CNTN2 protein function. In summary, the available evidence is currently insufficient to determine the role of this variant in disease. Therefore, it has been classified as a Variant of Uncertain Significance.